The following is an entry in ClinVar:

ClinVar aggregate classification (germline): Uncertain significance. Review status: criteria provided, multiple submitters, no conflicts (2 of 4 stars). 7 submissions from 5 submitters: Uncertain significance (7). Last evaluated 2026-09-17.

Conditions:
SPG11-related disorder. Also called: SPG11-related condition.
Amyotrophic lateral sclerosis type 5 (ALS5). Also called: AMYOTROPHIC LATERAL SCLEROSIS 5, JUVENILE. Identifiers: Orphanet 300605, MedGen C1865864, MONDO:0011196, OMIM 602099.
Charcot-Marie-Tooth disease axonal type 2X. Also called: CHARCOT-MARIE-TOOTH DISEASE, AXONAL, AUTOSOMAL RECESSIVE, TYPE 2X; CHARCOT-MARIE-TOOTH NEUROPATHY, TYPE 2X. Identifiers: Orphanet 466775, MedGen C5569024, MONDO:0014726, OMIM 616668.
Hereditary spastic paraplegia. Also called: Familial spastic paraparesis. Identifiers: Orphanet 685, MedGen C0037773, MONDO:0019064. Disease mechanism: loss of function.
Hereditary spastic paraplegia 11. Also called: Spastic paraplegia, mental retardation and thin corpus callosum; SPASTIC PARAPLEGIA, AUTOSOMAL RECESSIVE, COMPLICATED, WITH THIN CORPUS CALLOSUM; SPASTIC PARAPLEGIA, AUTOSOMAL RECESSIVE, WITH MENTAL IMPAIRMENT AND THIN CORPUS CALLOSUM; Spastic Paraplegia 11; Nakamura Osame syndrome; Autosomal recessive hereditary spastic paraplegia, mental impairment, and thin corpus callosum. Identifiers: Orphanet 2822, MedGen C1858479, MONDO:0011445, OMIM 604360.

Allele frequency attached by ClinVar (database versions not stated): TOPMed 0.00001; gnomAD 0.00002; gnomAD exomes 0.00002; ExAC 0.00004; ESP Exome Variant Server 0.00008.
gnomAD v4.1: 32 of 1,612,352 alleles (0.002%); highest among the groups gnomAD compares: Admixed American, 0.0067%; no homozygotes.

Submissions (7):

PreventionGenetics, part of Exact Sciences
Classification: Uncertain significance for SPG11-related condition. Last evaluated: 2026-09-17. Review status: criteria provided, single submitter. Criteria: ACMG Guidelines, 2015. Collection method: clinical testing. Allele origin: germline.
Comment: The SPG11 c.2306G>A variant is predicted to result in the amino acid substitution p.Arg769His. To our knowledge, this variant has not been reported in the literature. This variant is reported in 0.0065% of alleles in individuals of South Asian descent in gnomAD. At this time, the clinical significance of this variant is uncertain due to the absence of conclusive functional and genetic evidence.

Labcorp Genetics (formerly Invitae), Labcorp
Classification: Uncertain significance for Hereditary spastic paraplegia 11. Last evaluated: 2023-11-27. Review status: criteria provided, single submitter. Criteria: Invitae Variant Classification Sherloc (09022015). Collection method: clinical testing. Allele origin: germline.
Comment: This sequence change replaces arginine, which is basic and polar, with histidine, which is basic and polar, at codon 769 of the SPG11 protein (p.Arg769His). This variant is present in population databases (rs368151745, gnomAD 0.006%). This variant has not been reported in the literature in individuals affected with SPG11-related conditions. ClinVar contains an entry for this variant (Variation ID: 448463). Advanced modeling of protein sequence and biophysical properties (such as structural, functional, and spatial information, amino acid conservation, physicochemical variation, residue mobility, and thermodynamic stability) performed at Invitae indicates that this missense variant is expected to disrupt SPG11 protein function with a positive predictive value of 80%. In summary, the available evidence is currently insufficient to determine the role of this variant in disease. Therefore, it has been classified as a Variant of Uncertain Significance.

Athena Diagnostics
Classification: Uncertain significance. Last evaluated: 2017-04-17. Review status: criteria provided, single submitter. Criteria: Athena Diagnostics Criteria. Collection method: clinical testing. Allele origin: germline.

Genome Diagnostics Laboratory, The Hospital for Sick Children
Classification: Uncertain significance for Hereditary spastic paraplegia. Last evaluated: 2016-12-12. Review status: criteria provided, single submitter. Criteria: ACMG Guidelines, 2015. Collection method: clinical testing. Allele origin: germline. Affected: yes.

Genome-Nilou Lab
Classification: Uncertain significance for Amyotrophic lateral sclerosis type 5. Review status: criteria provided, single submitter. Criteria: ACMG Guidelines, 2015. Collection method: clinical testing. Allele origin: germline.

Genome-Nilou Lab
Classification: Uncertain significance for Charcot-Marie-Tooth disease axonal type 2X. Review status: criteria provided, single submitter. Criteria: ACMG Guidelines, 2015. Collection method: clinical testing. Allele origin: germline.

Genome-Nilou Lab
Classification: Uncertain significance for Hereditary spastic paraplegia 11. Review status: criteria provided, single submitter. Criteria: ACMG Guidelines, 2015. Collection method: clinical testing. Allele origin: germline.

NM_025137.4(SPG11):c.2306G>A (p.Arg769His)

Gene: SPG11 (SPG11 vesicle trafficking associated, spatacsin; minus strand). Cytogenetic location: 15q21.1.
Variant type: single nucleotide variant.
Coding change: c.2306G>A on transcript NM_025137.4 (MANE Select); coding-DNA position 2306, G replaced by A.
Protein change: p.Arg769His; replaces arginine 769 with histidine.
Molecular consequence: missense variant.
Genome position (GRCh38, 1-based): chr15:44,622,738, C>T on the plus strand (G>A on the coding strand, the complement: SPG11 is on the minus strand). VCF-style: chr15-44622738-C-T. GRCh37 (hg19) VCF-style: chr15-44914936-C-T.
Other names: c.2306G>A, p.Arg769His (NM_001160227.2); short protein forms R769H.
Identifiers: ClinVar variation 448463 (VCV000448463.10), dbSNP rs368151745, ClinGen allele CA7535294.